The following is an entry in ClinVar:

ClinVar aggregate classification (germline): Likely pathogenic (1 of 4 stars; one submission).

Conditions:
Ziegler-Huang syndrome (ZHS). Also called: BONE MARROW FAILURE SYNDROME 8. Identifiers: MedGen C5882688, MONDO:0957595, OMIM 620501.

Submission:

First Genomix Gene Laboratory, Genetic Diagnostics Department
Classification: Likely pathogenic for Ziegler-Huang syndrome. Last evaluated: 2025-04-25. Review status: criteria provided, single submitter. Criteria: ACMG Guidelines, 2015. Collection method: clinical testing. Allele origin: germline. Inheritance: Autosomal recessive inheritance. Affected: no. Observed: 1 variant allele.

NM_133496.5(SLC30A7):c.363_364insG (p.Ile122fs)

Gene: SLC30A7 (solute carrier family 30 member 7; plus strand). Cytogenetic location: 1p21.2.
Variant type: Insertion.
Coding change: c.363_364insG on transcript NM_133496.5 (MANE Select); coding-DNA positions 363 to 364, G inserted.
Protein change: p.Ile122fs; shifts the reading frame from isoleucine 122.
Molecular consequence: frameshift variant.
Genome position: GRCh38 VCF-style: chr1-100911129-T-TG. GRCh37 (hg19) VCF-style: chr1-101376685-T-TG.
Other names: c.363_364insG, p.Ile122fs (NM_001144884.2); short protein forms I122fs.
Identifiers: ClinVar variation 4845920 (VCV004845920.1).